The following is an entry in ClinVar:

NM_006904.7(PRKDC):c.5252A>C (p.Glu1751Ala)

Gene: PRKDC (protein kinase, DNA-activated, catalytic subunit; minus strand). Cytogenetic location: 8q11.21.
Variant type: single nucleotide variant.
Coding change: c.5252A>C on transcript NM_006904.7 (MANE Select); coding-DNA position 5252, A replaced by C.
Protein change: p.Glu1751Ala; replaces glutamic acid 1751 with alanine.
Molecular consequence: missense variant.
Genome position (GRCh38, 1-based): chr8:47,877,835, T>G on the plus strand (A>C on the coding strand, the complement: PRKDC is on the minus strand). VCF-style: chr8-47877835-T-G. GRCh37 (hg19) VCF-style: chr8-48790396-T-G.
Other names: c.5252A>C, p.Glu1751Ala (NM_001081640.2); short protein forms E1751A.
Identifiers: ClinVar variation 2564504 (VCV002564504.2), dbSNP rs2551872053, ClinGen allele CA371137919.

ClinVar aggregate classification (germline): Uncertain significance (1 of 4 stars; one submission).

Submission:

Ambry Genetics
Classification: Uncertain significance. Last evaluated: 2023-03-23. Review status: criteria provided, single submitter. Criteria: Ambry Variant Classification Scheme 2023. Collection method: clinical testing. Allele origin: germline.
Comment: The p.E1751A variant (also known as c.5252A>C), located in coding exon 40 of the PRKDC gene, results from an A to C substitution at nucleotide position 5252. The glutamic acid at codon 1751 is replaced by alanine, an amino acid with dissimilar properties. This amino acid position is conserved. In addition, this alteration is predicted to be tolerated by in silico analysis. Since supporting evidence is limited at this time, the clinical significance of this alteration remains unclear.